The following is an entry in ClinVar:

ClinVar aggregate classification (germline): Uncertain significance (1 of 4 stars; one submission).

Conditions:
Charcot-Marie-Tooth disease axonal type 2L. Also called: Charcot-Marie-Tooth Neuropathy Type 2L; CHARCOT-MARIE-TOOTH DISEASE, AXONAL, AUTOSOMAL DOMINANT, TYPE 2L; CHARCOT-MARIE-TOOTH NEUROPATHY, AXONAL, TYPE 2L. Identifiers: Orphanet 99945, MedGen C1837552, MONDO:0012096, OMIM 608673.

Allele frequency attached by ClinVar (database versions not stated): gnomAD exomes 0.00001; TOPMed 0.00001; ExAC 0.00002.

Submission:

Labcorp Genetics (formerly Invitae), Labcorp
Classification: Uncertain significance for Charcot-Marie-Tooth disease axonal type 2L. Last evaluated: 2023-12-23. Review status: criteria provided, single submitter. Criteria: Invitae Variant Classification Sherloc (09022015). Collection method: clinical testing. Allele origin: germline.
Comment: This sequence change replaces serine, which is neutral and polar, with proline, which is neutral and non-polar, at codon 122 of the HSPB8 protein (p.Ser122Pro). This variant is present in population databases (rs757453658, gnomAD 0.01%). This variant has not been reported in the literature in individuals affected with HSPB8-related conditions. An algorithm developed to predict the effect of missense changes on protein structure and function (PolyPhen-2) suggests that this variant is likely to be tolerated. In summary, the available evidence is currently insufficient to determine the role of this variant in disease. Therefore, it has been classified as a Variant of Uncertain Significance.

NM_014365.3(HSPB8):c.364T>C (p.Ser122Pro)

Gene: HSPB8 (heat shock protein family B (small) member 8; plus strand). Cytogenetic location: 12q24.23.
Variant type: single nucleotide variant.
Coding change: c.364T>C on transcript NM_014365.3 (MANE Select); coding-DNA position 364, T replaced by C.
Protein change: p.Ser122Pro; replaces serine 122 with proline.
Molecular consequence: missense variant.
Genome position (GRCh38, 1-based): chr12:119,179,676, T>C. VCF-style: chr12-119179676-T-C. GRCh37 (hg19) VCF-style: chr12-119617481-T-C.
Other names: short protein forms S122P.
Identifiers: ClinVar variation 2977685 (VCV002977685.3), dbSNP rs757453658, ClinGen allele CA6819548.